The following is an entry in ClinVar:

NM_000520.6(HEXA):c.1385A>T (p.Glu462Val)

Gene: HEXA (hexosaminidase subunit alpha; minus strand). Cytogenetic location: 15q23.
Variant type: single nucleotide variant.
Coding change: c.1385A>T on transcript NM_000520.6 (MANE Select); coding-DNA position 1385, A replaced by T.
Protein change: p.Glu462Val; replaces glutamic acid 462 with valine.
Molecular consequence: missense variant. On other transcripts: non-coding transcript variant (1).
Genome position (GRCh38, 1-based): chr15:72,346,271, T>A on the plus strand (A>T on the coding strand, the complement: HEXA is on the minus strand). VCF-style: chr15-72346271-T-A. GRCh37 (hg19) VCF-style: chr15-72638612-T-A.
Other names: c.1418A>T, p.Glu473Val (NM_001318825.2); c.1385A>T (NM_000520.5); short protein forms E462V, E473V.
Identifiers: ClinVar variation 218134 (VCV000218134.5), dbSNP rs863225434, ClinGen allele CA279889.

ClinVar aggregate classification (germline): Pathogenic. Review status: criteria provided, multiple submitters, no conflicts (2 of 4 stars). 3 submissions from 3 submitters: Pathogenic (3). Last evaluated 2025-09-15.

Conditions:
Tay-Sachs disease (TSD). Also called: Hexosaminidase A Deficiency; HEXA Disorders; HEXA DEFICIENCY; GM2 gangliosidosis, type 1; Hexosaminidase alpha-subunit deficiency (variant B); Sphingolipidosis, Tay-Sachs. Identifiers: Orphanet 845, MedGen C0039373, MONDO:0010100, OMIM 272800.

Allele frequency attached by ClinVar (database versions not stated): gnomAD exomes below 0.00001 and 0.00001.
gnomAD v4.1: 6 of 1,613,944 alleles (0.00037%); highest among the groups gnomAD compares: South Asian, 0.0066%; no homozygotes.

Submissions (3):

Natera, Inc.
Classification: Pathogenic for Tay-Sachs disease. Last evaluated: 2025-09-15. Review status: criteria provided, single submitter. Criteria: Natera Variant Classification Schema (03/2026). Collection method: clinical testing. Allele origin: germline.
Comment: The c.1385A>T variant in HEXA is a missense variant predicted to cause substitution of glutamic acid to valine at amino acid 462. This variant is rare in the general population with a frequency below the threshold expected for the associated phenotype(s). This variant has been observed in one or more individuals affected with the associated recessive disease, as either homozygous or compound heterozygous with a second variant (PMID: 22723944, 29973161, 31388111). Computational prediction algorithms indicate this variant is likely to affect gene or protein function. Given the available evidence, this variant is classified as Pathogenic.

Center for Genomics, Ann and Robert H. Lurie Children's Hospital of Chicago
Classification: Pathogenic for Tay-Sachs disease. Last evaluated: 2022-03-21. Review status: criteria provided, single submitter. Criteria: ACMG Guidelines, 2015. Collection method: clinical testing. Allele origin: germline.
Comment: This variant has been reported in the literature in a homozygous or compound heterozygous state with another pathogenic variant, in at least 8 individuals of Indian (Gujarat) ancestry with infantile Tay-Sachs Disease (TSD), suggesting a founder effect (Mistri 2012 PMID:22723944, Sheth 2014 PMID:27896118, Sheth 2018 PMID:29973161). This variant is present in 0.003% (1/30762) of South Asian alleles in the Genome Aggregation Database with no homozygotes identified. Please note, disease-causing variants may be present in control databases at low frequencies, reflective of the general population, carrier status and/or variable expressivity. This variant is present in ClinVar (Variation ID:218134). Evolutionary conservation and computational predictive tools support that this variant may impact the protein. Computational structural analyses revealed that this residue is located within the active site of the alpha subunit of hexosamindase A and support that this variant may impact the protein (Mistri 2012 PMID:22723944). In summary, this variant is classified as pathogenic.

FRIGE's Institute of Human Genetics
Classification: Pathogenic for Tay-Sachs disease. Last evaluated: 2011-10-01. Review status: criteria provided, single submitter. Criteria: Submitter's publication. Collection method: clinical testing. Allele origin: germline. Inheritance: Autosomal recessive inheritance. Affected: yes. Observed: 2 compound heterozygotes, 8 homozygotes. Study: Molecular analysis of Tay-Sachs disease.
Comment: The mutation p.E462V was found in ten unrelated families from India indicating a founder effect.

Literature cited by the submitters: PubMed 22723944 (cited by Natera, Inc.); PubMed 29973161 (cited by Natera, Inc.); PubMed 31388111 (cited by Natera, Inc.).